The following is an entry in ClinVar:

ClinVar aggregate classification (germline): Uncertain significance (1 of 4 stars; one submission).

Conditions:
ENHANCED S-CONE SYNDROME 1 (ESCS1). Also called: RETINOSCHISIS WITH EARLY HEMERALOPIA; FAVRE HYALOIDEORETINAL DEGENERATION. Identifiers: MedGen CN380299, OMIM 268100.

Submission:

Myriad Genetics, Inc.
Classification: Uncertain significance for ENHANCED S-CONE SYNDROME 1. Last evaluated: 2026-05-26. Review status: criteria provided, single submitter. Criteria: Myriad Autosomal Dominant, Autosomal Recessive and X-Linked Classification Criteria (2023). Collection method: clinical testing. Allele origin: unknown.
Comment: NM_014249.2(NR2E3):c.980T>C(V327A) is a missense variant classified as a variant of uncertain significance in the context of enhanced S-cone syndrome. V327A has not been observed in cases with relevant disease. Relevant functional assessments of this variant are not available in the literature. V327A has not been observed in referenced population frequency databases. In summary, there is insufficient evidence to classify NM_014249.2(NR2E3):c.980T>C(V327A) as pathogenic or benign. Please note: this variant was assessed in the context of healthy population screening.

NM_014249.4(NR2E3):c.980T>C (p.Val327Ala)

Gene: NR2E3 (nuclear receptor subfamily 2 group E member 3; plus strand). Cytogenetic location: 15q23.
Variant type: single nucleotide variant.
Coding change: c.980T>C on transcript NM_014249.4 (MANE Select); coding-DNA position 980, T replaced by C.
Protein change: p.Val327Ala; replaces valine 327 with alanine.
Molecular consequence: missense variant.
Genome position (GRCh38, 1-based): chr15:71,813,621, T>C. VCF-style: chr15-71813621-T-C. GRCh37 (hg19) VCF-style: chr15-72105962-T-C.
Other names: c.980T>C, p.Val327Ala (NM_016346.4); short protein forms V327A.
Identifiers: ClinVar variation 5003558 (VCV005003558.1).
Genomic context (GRCh38, chr15:71,813,621, plus strand): 5'-TCTCTCGGTTCCGGGCATTGGCGGTGGACCCCACGGAGTTTGCCTGCATGAAGGCCTTGG[T>C]CCTCTTCAAGCCAGGTAACTGAGTCTCTGCCCAAACCTTGAGTGGGAATTCTGGTGACTT-3'
Protein context (NP_055064.1, residues 317-337): PTEFACMKAL[Val327Ala]LFKPETRGLK